The following is an entry in ClinVar:

ClinVar aggregate classification (germline): Uncertain significance (1 of 4 stars; one submission).

Conditions:
Ciliary dyskinesia, primary, 37 (CILD37). Also called: CILIARY DYSKINESIA, PRIMARY, 37, WITH OR WITHOUT SITUS INVERSUS. Identifiers: MedGen C4539798, MONDO:0033204, OMIM 617577.
Spermatogenic failure 18. Identifiers: MedGen C4539783, MONDO:0054615, OMIM 617576.

gnomAD v4.1: 1 of 1,610,772 alleles (0.000062%); highest among the groups gnomAD compares: East Asian, 0.0022%; no homozygotes.

Submission:

Labcorp Genetics (formerly Invitae), Labcorp
Classification: Uncertain significance for Ciliary dyskinesia, primary, 37; Spermatogenic failure 18. Last evaluated: 2022-07-05. Review status: criteria provided, single submitter. Criteria: Invitae Variant Classification Sherloc (09022015). Collection method: clinical testing. Allele origin: germline.
Comment: This variant has not been reported in the literature in individuals affected with DNAH1-related conditions. This variant is not present in population databases (gnomAD no frequency). This sequence change replaces serine, which is neutral and polar, with asparagine, which is neutral and polar, at codon 6 of the DNAH1 protein (p.Ser6Asn). ClinVar contains an entry for this variant (Variation ID: 1419364). In summary, the available evidence is currently insufficient to determine the role of this variant in disease. Therefore, it has been classified as a Variant of Uncertain Significance. Algorithms developed to predict the effect of missense changes on protein structure and function (SIFT, PolyPhen-2, Align-GVGD) all suggest that this variant is likely to be tolerated.

NM_015512.5(DNAH1):c.17G>A (p.Ser6Asn)

Gene: DNAH1 (dynein axonemal heavy chain 1; plus strand). Cytogenetic location: 3p21.1.
Variant type: single nucleotide variant.
Coding change: c.17G>A on transcript NM_015512.5 (MANE Select); coding-DNA position 17, G replaced by A.
Protein change: p.Ser6Asn; replaces serine 6 with asparagine.
Molecular consequence: missense variant.
Genome position (GRCh38, 1-based): chr3:52,322,459, G>A. VCF-style: chr3-52322459-G-A. GRCh37 (hg19) VCF-style: chr3-52356475-G-A.
Other names: short protein forms S6N.
Identifiers: ClinVar variation 1419364 (VCV001419364.6), dbSNP rs2153222741, ClinGen allele CA353083443.